The following is an entry in ClinVar:

NM_000535.7(PMS2):c.1909C>T (p.Gln637Ter)

Gene: PMS2 (PMS1 homolog 2, mismatch repair system component; minus strand). Cytogenetic location: 7p22.1.
Variant type: single nucleotide variant.
Coding change: c.1909C>T on transcript NM_000535.7 (MANE Select); coding-DNA position 1909, C replaced by T.
Protein change: p.Gln637Ter; replaces glutamine 637 with a stop codon.
Molecular consequence: nonsense. On other transcripts: non-coding transcript variant (1).
Genome position (GRCh38, 1-based): chr7:5,986,856, G>A on the plus strand (C>T on the coding strand, the complement: PMS2 is on the minus strand). VCF-style: chr7-5986856-G-A. GRCh37 (hg19) VCF-style: chr7-6026487-G-A.
Other names: c.1504C>T, p.Gln502Ter (NM_001322003.2, NM_001322004.2, NM_001322005.2 and 1 more transcripts); c.1753C>T, p.Gln585Ter (NM_001322006.2); c.1591C>T, p.Gln531Ter (NM_001322007.2, NM_001322008.2); c.1348C>T, p.Gln450Ter (NM_001322010.2); c.976C>T, p.Gln326Ter (NM_001322011.2, NM_001322012.2); c.1336C>T, p.Gln446Ter (NM_001322013.2); c.1909C>T, p.Gln637Ter (NM_001322014.2); c.1600C>T, p.Gln534Ter (NM_001322015.2); short protein forms Q637*, Q446*, Q450*, Q531*, Q585*, Q326*, Q502*, Q534*.
Identifiers: ClinVar variation 496033 (VCV000496033.14), dbSNP rs1554297125, ClinGen allele CA366739308.

ClinVar aggregate classification (germline): Pathogenic/Likely pathogenic. Review status: criteria provided, multiple submitters, no conflicts (2 of 4 stars). 6 submissions from 6 submitters: Pathogenic (3); Likely pathogenic (3). Last evaluated 2025-12-10.

Conditions:
Lynch syndrome. Identifiers: Orphanet 144, MedGen C4552100, MONDO:0005835. Disease mechanism: loss of function.
Hereditary cancer-predisposing syndrome. Also called: Tumor predisposition; Neoplastic Syndromes, Hereditary; Hereditary neoplastic syndrome; Hereditary Cancer Syndrome. Identifiers: Orphanet 140162, MedGen C0027672, MeSH D009386, MONDO:0015356.
Hereditary nonpolyposis colorectal neoplasms. Identifiers: MedGen C0009405, MeSH D003123.
Lynch syndrome 4 (LYNCH4). Also called: Colorectal cancer, hereditary nonpolyposis, type 4; Hereditary non-polyposis colorectal cancer, type 4. Identifiers: Orphanet 144, MedGen C1838333, MONDO:0013699, OMIM 614337. Disease mechanism: loss of function.

Submissions (6):

Labcorp Genetics (formerly Invitae), Labcorp
Classification: Pathogenic for Hereditary nonpolyposis colorectal neoplasms. Last evaluated: 2025-12-10. Review status: criteria provided, single submitter. Criteria: Invitae Variant Classification Sherloc (09022015). Collection method: clinical testing. Allele origin: germline.
Comment: This sequence change creates a premature translational stop signal (p.Gln637*) in the PMS2 gene. It is expected to result in an absent or disrupted protein product. Loss-of-function variants in PMS2 are known to be pathogenic (PMID: 21376568, 24362816). This variant is not present in population databases (gnomAD no frequency). This variant has not been reported in the literature in individuals affected with PMS2-related conditions. ClinVar contains an entry for this variant (Variation ID: 496033). For these reasons, this variant has been classified as Pathogenic.

Myriad Genetics, Inc.
Classification: Pathogenic for Lynch syndrome 4. Last evaluated: 2023-09-21. Review status: criteria provided, single submitter. Criteria: Myriad Autosomal Dominant, Autosomal Recessive and X-Linked Classification Criteria (2023). Collection method: clinical testing. Allele origin: unknown.
Comment: This variant is considered pathogenic. This variant creates a termination codon and is predicted to result in premature protein truncation.

Ambry Genetics
Classification: Pathogenic for Hereditary cancer-predisposing syndrome. Last evaluated: 2023-05-23. Review status: criteria provided, single submitter. Criteria: Ambry Variant Classification Scheme 2023. Collection method: clinical testing. Allele origin: germline.
Comment: The p.Q637* pathogenic mutation (also known as c.1909C>T), located in coding exon 11 of the PMS2 gene, results from a C to T substitution at nucleotide position 1909. This changes the amino acid from a glutamine to a stop codon within coding exon 11. This variant is considered to be rare based on population cohorts in the Genome Aggregation Database (gnomAD). This alteration is expected to result in loss of function by premature protein truncation or nonsense-mediated mRNA decay. As such, this alteration is interpreted as a disease-causing mutation.

Baylor Genetics
Classification: Likely pathogenic for Lynch syndrome 4. Last evaluated: 2022-04-14. Review status: criteria provided, single submitter. Criteria: ACMG Guidelines, 2015. Collection method: clinical testing. Allele origin: unknown.

Quest Diagnostics Nichols Institute San Juan Capistrano
Classification: Likely pathogenic. Last evaluated: 2018-01-12. Review status: criteria provided, single submitter. Criteria: Quest Diagnostics criteria. Collection method: clinical testing. Allele origin: germline.

Women's Health and Genetics/Laboratory Corporation of America, LabCorp
Classification: Likely pathogenic for Hereditary nonpolyposis colon cancer. Last evaluated: 2016-04-13. Review status: criteria provided, single submitter. Criteria: LabCorp Variant Classification Summary - May 2015. Collection method: clinical testing. Allele origin: germline.
Comment: Variant summary: Variant affects a non-conserved nucleotide and results in a nonsense mutation predicted to cause a loss of normal protein function due to production of a truncated protein or by the absence of the protein product due to nonsense-mediated mRNA decay. It is absent from the large and broad cohorts of the ExAC project and to our knowledge, it was not reported in affected individuals either. Loss of function of PMS2 is a known mechanism of Lynch syndrome (GeneReviews), therefore, this nonsense variant was classified as Likely Pathogenic.

Literature cited by the submitters: PubMed 21376568 (cited by Labcorp Genetics (formerly Invitae), Labcorp); PubMed 24362816 (cited by Labcorp Genetics (formerly Invitae), Labcorp).